The following is an entry in ClinVar:

ClinVar aggregate classification (germline): Likely pathogenic. Review status: criteria provided, multiple submitters, no conflicts (2 of 4 stars). 2 submissions from 2 submitters: Likely pathogenic (2). Last evaluated 2025-10-02.

Conditions:
Jeune thoracic dystrophy. Also called: Jeune syndrome; Infantile thoracic dystrophy; Thoracic pelvic phalangeal dystrophy; Jeune's syndrome; Chondroectodermal dysplasia-like syndrome; Short-rib thoracic dysplasia. Identifiers: Orphanet 474, MedGen C0265275, MONDO:0018770.
Asphyxiating thoracic dystrophy 3. Also called: SHORT-RIB THORACIC DYSPLASIA 3/6 WITH POLYDACTYLY, DIGENIC; SHORT-RIB THORACIC DYSPLASIA 3 WITH OR WITHOUT POLYDACTYLY; POLYDACTYLY WITH NEONATAL CHONDRODYSTROPHY, TYPE I; Short rib polydactyly syndrome 2B; Saldino-Noonan Syndrome. Identifiers: Orphanet 474, Orphanet 93269, Orphanet 93270, Orphanet 93271, MedGen C0036069, MONDO:0013127, OMIM 613091.

Allele frequency attached by ClinVar (database versions not stated): gnomAD exomes below 0.00001.
gnomAD v4.1: 7 of 1,601,684 alleles (0.00044%); highest among the groups gnomAD compares: Non-Finnish European, 0.00051%; no homozygotes.

Submissions (2):

Myriad Genetics, Inc.
Classification: Likely pathogenic for Asphyxiating thoracic dystrophy 3. Last evaluated: 2025-10-02. Review status: criteria provided, single submitter. Criteria: Myriad Autosomal Dominant, Autosomal Recessive and X-Linked Classification Criteria (2023). Collection method: clinical testing. Allele origin: unknown.
Comment: NM_001377.2(DYNC2H1):c.11934+1G>A is a variant in a canonical splice site classified as likely pathogenic in the context of DYNC2H1-related disorders. c.11934+1G>A has not been observed in cases with relevant disease. Relevant functional assessments of this variant are not available in the literature. c.11934+1G>A has not been observed in referenced population frequency databases. In summary, NM_001377.2(DYNC2H1):c.11934+1G>A is a variant in a canonical splice site in a gene where loss of function is a known mechanism of disease and is predicted to disrupt protein function. Please note: this variant was assessed in the context of healthy population screening.

Labcorp Genetics (formerly Invitae), Labcorp
Classification: Likely pathogenic for Jeune thoracic dystrophy. Last evaluated: 2023-11-05. Review status: criteria provided, single submitter. Criteria: Invitae Variant Classification Sherloc (09022015). Collection method: clinical testing. Allele origin: germline.
Comment: This sequence change affects a donor splice site in intron 82 of the DYNC2H1 gene. It is expected to disrupt RNA splicing. Variants that disrupt the donor or acceptor splice site typically lead to a loss of protein function (PMID: 16199547), and loss-of-function variants in DYNC2H1 are known to be pathogenic (PMID: 23339108, 32753734, 33755199). This variant is not present in population databases (gnomAD no frequency). This variant has not been reported in the literature in individuals affected with DYNC2H1-related conditions. Algorithms developed to predict the effect of sequence changes on RNA splicing suggest that this variant may disrupt the consensus splice site. In summary, the currently available evidence indicates that the variant is pathogenic, but additional data are needed to prove that conclusively. Therefore, this variant has been classified as Likely Pathogenic.

Literature cited by the submitters: PubMed 16199547 (cited by Labcorp Genetics (formerly Invitae), Labcorp); PubMed 23339108 (cited by Labcorp Genetics (formerly Invitae), Labcorp); PubMed 32753734 (cited by Labcorp Genetics (formerly Invitae), Labcorp); PubMed 33755199 (cited by Labcorp Genetics (formerly Invitae), Labcorp).

NM_001377.3(DYNC2H1):c.11934+1G>A

Gene: DYNC2H1 (dynein cytoplasmic 2 heavy chain 1; plus strand). Cytogenetic location: 11q22.3.
Variant type: single nucleotide variant.
Coding change: c.11934+1G>A on transcript NM_001377.3 (MANE Select); the canonical splice donor site of the intron after coding-DNA position 11934, G replaced by A.
Molecular consequence: splice donor variant.
Genome position (GRCh38, 1-based): chr11:103,321,238, G>A. VCF-style: chr11-103321238-G-A. GRCh37 (hg19) VCF-style: chr11-103191967-G-A.
Other names: c.11955+1G>A (NM_001080463.2).
Identifiers: ClinVar variation 2693478 (VCV002693478.4), dbSNP rs2496943337, ClinGen allele CA382269498.